The following is an entry in ClinVar:

NM_001430.5(EPAS1):c.1417A>T (p.Thr473Ser)

Gene: EPAS1 (endothelial PAS domain protein 1; plus strand). Cytogenetic location: 2p21.
Variant type: single nucleotide variant.
Coding change: c.1417A>T on transcript NM_001430.5 (MANE Select); coding-DNA position 1417, A replaced by T.
Protein change: p.Thr473Ser; replaces threonine 473 with serine.
Molecular consequence: missense variant.
Genome position (GRCh38, 1-based): chr2:46,378,061, A>T. VCF-style: chr2-46378061-A-T. GRCh37 (hg19) VCF-style: chr2-46605200-A-T.
Other names: short protein forms T473S.
Identifiers: ClinVar variation 2450304 (VCV002450304.2), dbSNP rs1572647611, ClinGen allele CA346704036.

ClinVar aggregate classification (germline): Uncertain significance (1 of 4 stars; one submission).

Conditions:
Inborn genetic diseases. Identifiers: MedGen C0950123, MeSH D030342.

Allele frequency attached by ClinVar (database versions not stated): gnomAD exomes below 0.00001.
gnomAD v4.1: 1 of 1,606,708 alleles (0.000062%); highest among the groups gnomAD compares: Non-Finnish European, 0.000085%; no homozygotes.

Submission:

Ambry Genetics
Classification: Uncertain significance for Inborn genetic diseases. Last evaluated: 2022-12-15. Review status: criteria provided, single submitter. Criteria: Ambry Variant Classification Scheme 2023. Collection method: clinical testing. Allele origin: germline.
Comment: The p.T473S variant (also known as c.1417A>T), located in coding exon 10 of the EPAS1 gene, results from an A to T substitution at nucleotide position 1417. The threonine at codon 473 is replaced by serine, an amino acid with similar properties. This amino acid position is conserved. In addition, this alteration is predicted to be tolerated by in silico analysis. Since supporting evidence is limited at this time, the clinical significance of this alteration remains unclear.